The following is an entry in ClinVar:

ClinVar aggregate classification (germline): Likely pathogenic (1 of 4 stars; one submission).

Conditions:
Niemann-Pick disease, type C1. Also called: NEUROVISCERAL STORAGE DISEASE WITH VERTICAL SUPRANUCLEAR OPHTHALMOPLEGIA; NIEMANN-PICK DISEASE WITH CHOLESTEROL ESTERIFICATION BLOCK; NIEMANN-PICK DISEASE WITHOUT SPHINGOMYELINASE DEFICIENCY; NIEMANN-PICK DISEASE, CHRONIC NEURONOPATHIC FORM; NIEMANN-PICK DISEASE, VARIANT TYPE C1. Identifiers: Orphanet 646, MedGen C3179455, MONDO:0009757, OMIM 257220.

Submission:

Myriad Genetics, Inc.
Classification: Likely pathogenic for Niemann-Pick disease, type C1. Last evaluated: 2021-12-27. Review status: criteria provided, single submitter. Criteria: Myriad Women's Health Autosomal Recessive and X-Linked Classification Criteria (2021). Collection method: clinical testing. Allele origin: unknown.
Comment: NM_000271.4(NPC1):c.3017delA(N1006Tfs*34) is expected to be pathogenic in the context of Niemann-Pick disease type C1. This variant is predicted to lead to an abnormal or absent protein product due to the creation of a premature termination codon in NPC1, a gene where loss-of-function variants are known to be pathogenic. Please note: this variant was assessed in the context of healthy population screening.

NM_000271.5(NPC1):c.3017del (p.Asn1006fs)

Gene: NPC1 (NPC intracellular cholesterol transporter 1; minus strand). Cytogenetic location: 18q11.2.
Variant type: Deletion.
Coding change: c.3017del on transcript NM_000271.5 (MANE Select); coding-DNA position 3017, one base deleted (A; older notation c.3017delA).
Protein change: p.Asn1006fs; shifts the reading frame from asparagine 1006.
Molecular consequence: frameshift variant.
Genome position (GRCh38, 1-based): chr18:23,538,566, T deleted on the plus strand (A on the coding strand, the reverse complement: NPC1 is on the minus strand); the first of 2 consecutive T bases (chr18:23,538,566-23,538,567); deleting either gives the same sequence. VCF-style (leftmost placement, unchanged base first): chr18-23538565-GT-G. GRCh37 (hg19) VCF-style: chr18-21118529-GT-G.
Other names: short protein forms N1006fs.
Identifiers: ClinVar variation 1726601 (VCV001726601.2), dbSNP rs2511205258, ClinGen allele CA2580095497.
Genomic context (GRCh38, chr18:23,538,565, plus strand): 5'-GCAGTGGATGCTTATCTGCAATGGCAGCAGCACTTACCCTTTGCCACACTTGGGGTTAGG[GT>G]TATCCGAAAGGAACATGGGCAGGAATCTCATGAAGTCTCCCCCCTGAGGCCTCTGTTTGC-3'